The following is an entry in ClinVar:

NM_018139.3(DNAAF2):c.662T>G (p.Leu221Arg)

Gene: DNAAF2 (dynein axonemal assembly factor 2; minus strand). Cytogenetic location: 14q21.3.
Variant type: single nucleotide variant.
Coding change: c.662T>G on transcript NM_018139.3 (MANE Select); coding-DNA position 662, T replaced by G.
Protein change: p.Leu221Arg; replaces leucine 221 with arginine.
Molecular consequence: missense variant.
Genome position (GRCh38, 1-based): chr14:49,634,488, A>C on the plus strand (T>G on the coding strand, the complement: DNAAF2 is on the minus strand). VCF-style: chr14-49634488-A-C. GRCh37 (hg19) VCF-style: chr14-50101206-A-C.
Other names: c.662T>G, p.Leu221Arg (NM_001083908.2); short protein forms L221R.
Identifiers: ClinVar variation 3502875 (VCV003502875.1).

ClinVar aggregate classification (germline): Uncertain significance (1 of 4 stars; one submission).

Conditions:
Primary ciliary dyskinesia. Also called: Ciliary dyskinesia. Identifiers: Orphanet 244, MedGen C0008780, MONDO:0016575, HP:0012265.

Submission:

Ambry Genetics
Classification: Uncertain significance for Primary ciliary dyskinesia. Last evaluated: 2024-07-14. Review status: criteria provided, single submitter. Criteria: Ambry Variant Classification Scheme 2023. Collection method: clinical testing. Allele origin: germline.
Comment: The p.L221R variant (also known as c.662T>G), located in coding exon 1 of the DNAAF2 gene, results from a T to G substitution at nucleotide position 662. The leucine at codon 221 is replaced by arginine, an amino acid with dissimilar properties. This amino acid position is conserved. In addition, this alteration is predicted to be tolerated by in silico analysis. Based on the available evidence, the clinical significance of this variant remains unclear.